The following is an entry in ClinVar:

ClinVar aggregate classification (germline): Pathogenic/Likely pathogenic. Review status: criteria provided, multiple submitters, no conflicts (2 of 4 stars). 7 submissions from 7 submitters: Pathogenic (2); Likely pathogenic (5). Last evaluated 2024-11-25.

Conditions:
Familial hypokalemia-hypomagnesemia (GTLMNS). Also called: HYPOMAGNESEMIA-HYPOKALEMIA, PRIMARY RENOTUBULAR, WITH HYPOCALCIURIA; POTASSIUM AND MAGNESIUM DEPLETION; gitelman syndrome. Identifiers: Orphanet 358, MedGen C0268450, MONDO:0009904, OMIM 263800.

gnomAD v4.1: 5 of 1,613,640 alleles (0.00031%); highest among the groups gnomAD compares: African/African-American, 0.0013%; no homozygotes.

Submissions (7):

Labcorp Genetics (formerly Invitae), Labcorp
Classification: Pathogenic. Last evaluated: 2024-11-25. Review status: criteria provided, single submitter. Criteria: Invitae Variant Classification Sherloc (09022015). Collection method: clinical testing. Allele origin: germline.
Comment: This sequence change replaces glycine, which is neutral and non-polar, with alanine, which is neutral and non-polar, at codon 316 of the SLC12A3 protein (p.Gly316Ala). This variant is not present in population databases (gnomAD no frequency). This missense change has been observed in individual(s) with Gitelman syndrome (PMID: 17699451, 30138938). In at least one individual the data is consistent with being in trans (on the opposite chromosome) from a pathogenic variant. ClinVar contains an entry for this variant (Variation ID: 1454113). Invitae Evidence Modeling of protein sequence and biophysical properties (such as structural, functional, and spatial information, amino acid conservation, physicochemical variation, residue mobility, and thermodynamic stability) indicates that this missense variant is expected to disrupt SLC12A3 protein function with a positive predictive value of 95%. This variant disrupts the p.Gly316 amino acid residue in SLC12A3. Other variant(s) that disrupt this residue have been determined to be pathogenic (PMID: 12112667, 17329572, 21415153). This suggests that this residue is clinically significant, and that variants that disrupt this residue are likely to be disease-causing. For these reasons, this variant has been classified as Pathogenic.

Natera, Inc.
Classification: Likely pathogenic for Gitelman syndrome. Last evaluated: 2024-10-16. Review status: criteria provided, single submitter. Criteria: Natera Variant Classification Schema (03/2026). Collection method: clinical testing. Allele origin: germline.
Comment: The c.947G>C variant in SLC12A3 is a missense variant predicted to cause substitution of glycine to alanine at amino acid 316. This variant is rare in the general population with a frequency below the threshold expected for the associated phenotype(s). This variant has been observed in one or more individuals affected with the associated recessive disease, as either homozygous or compound heterozygous with a second variant (PMID: 15824853, 17699451, 21415153, 30138938). A different variant at the same position has been determined to be Pathogenic or Likely Pathogenic. Computational prediction algorithms indicate this variant is likely to affect gene or protein function. Given the available evidence, this variant is classified as Likely Pathogenic.

Institute of Immunology and Genetics Kaiserslautern
Classification: Likely pathogenic for Familial hypokalemia-hypomagnesemia. Last evaluated: 2024-06-13. Review status: criteria provided, single submitter. Criteria: ACMG Guidelines, 2015. Collection method: clinical testing. Allele origin: germline. Affected: yes.
Comment: ACMG Criteria: PM2_P, PM5, PP3, PP2, PM3, PP5, PP4, PP1; Variant was found in heterozygous state together with the heterozygous variant NM_001126108.2:c.533C>T

Fulgent Genetics
Classification: Likely pathogenic for Familial hypokalemia-hypomagnesemia. Last evaluated: 2024-05-17. Review status: criteria provided, single submitter. Criteria: ACMG Guidelines, 2015. Collection method: clinical testing. Allele origin: germline.

Women's Health and Genetics/Laboratory Corporation of America, LabCorp
Classification: Pathogenic for Familial hypokalemia-hypomagnesemia. Last evaluated: 2023-07-11. Review status: criteria provided, single submitter. Criteria: LabCorp Variant Classification Summary - May 2015. Collection method: clinical testing. Allele origin: germline.
Comment: Variant summary: SLC12A3 c.947G>C (p.Gly316Ala) results in a non-conservative amino acid change located in the amino acid permease/SLC12A domain (IPR004841) of the encoded protein sequence. Five of five in-silico tools predict a damaging effect of the variant on protein function. The variant was absent in 251290 control chromosomes (gnomAD v2.1, Exomes dataset). c.947G>C has been reported in the literature in both compound heterozygous and homozygous individuals affected with Familial Hypokalemia-Hypomagnesemia/Gitelman Syndrome (e.g., Nicolet-Barousse_2005, Colussi_2007, Vargas-Poussou_2011, Huang_2018). These data indicate that the variant is very likely to be associated with disease. To our knowledge, no experimental evidence demonstrating an impact on protein function has been reported. The following publications have been ascertained in the context of this evaluation (PMID: 17699451, 30138938, 15824853, 21415153). Four submitters have reported clinical-significance assessments for this variant to ClinVar after 2014. All submitters classified the variant as pathogenic/likely pathogenic. Additionally, another missense variant affecting the same codon, c.947G>T (p.G316V), have been classified as pathogenic/likely pathogenic in Clinvar, reported in both compound heterozygous and homozygous patients with Gitelman Syndrome in the literature (PMIDs: 21415153, 17329572), and functional studies have shown p.G316V causes a severe defect in protein function (PMID: 17329572). Based on the evidence outlined above, the variant was classified as pathogenic.

Revvity Omics, Revvity
Classification: Likely pathogenic for Familial hypokalemia-hypomagnesemia. Last evaluated: 2022-12-07. Review status: criteria provided, single submitter. Criteria: ACMG Guidelines, 2015. Collection method: clinical testing. Allele origin: germline.

GeneDx
Classification: Likely pathogenic. Last evaluated: 2022-10-31. Review status: criteria provided, single submitter. Criteria: GeneDx Variant Classification Process June 2021. Collection method: clinical testing. Allele origin: germline. Affected: yes.
Comment: Not observed at significant frequency in large population cohorts (gnomAD); In silico analysis supports that this missense variant has a deleterious effect on protein structure/function; This variant is associated with the following publications: (PMID: 30138938, 17699451, 17329572, 12112667, 26921350)

Literature cited by the submitters: PubMed 17699451 (cited by 3 submitters); PubMed 30138938 (cited by 3 submitters); PubMed 12112667 (cited by Labcorp Genetics (formerly Invitae), Labcorp); PubMed 17329572 (cited by Labcorp Genetics (formerly Invitae), Labcorp); PubMed 21415153 (cited by 3 submitters); PubMed 15824853 (cited by Natera, Inc. and Women's Health and Genetics/Laboratory Corporation of America, LabCorp).

NM_001126108.2(SLC12A3):c.947G>C (p.Gly316Ala)

Gene: SLC12A3 (solute carrier family 12 member 3; plus strand). Cytogenetic location: 16q13.
Variant type: single nucleotide variant.
Coding change: c.947G>C on transcript NM_001126108.2 (MANE Select); coding-DNA position 947, G replaced by C.
Protein change: p.Gly316Ala; replaces glycine 316 with alanine.
Molecular consequence: missense variant.
Genome position (GRCh38, 1-based): chr16:56,872,445, G>C. VCF-style: chr16-56872445-G-C. GRCh37 (hg19) VCF-style: chr16-56906357-G-C.
Other names: c.947G>C (NM_000339.2); c.947G>C, p.Gly316Ala (NM_000339.3); c.944G>C, p.Gly315Ala (NM_001126107.2); short protein forms G316A, G315A.
Identifiers: ClinVar variation 1454113 (VCV001454113.15), dbSNP rs748920885, ClinGen allele CA395983440.
Genomic context (GRCh38, chr16:56,872,445, plus strand): 5'-CCTTTGCCAACTATTTAGTGGGGACGCTGATCCCCCCATCTGAGGACAAGGCCTCCAAAG[G>C]CTTCTTCAGCTACCGGGGTATGTGCTGATCAAGGCCCTGACCATGGCTCTGGGGACAGGG-3'
Protein context (NP_001119580.2, residues 306-326): IPPSEDKASK[Gly316Ala]FFSYRADIFV